The following is an entry in ClinVar:

NM_001298.3(CNGA3):c.740C>T (p.Thr247Met)

Gene: CNGA3 (cyclic nucleotide gated channel subunit alpha 3; plus strand). Cytogenetic location: 2q11.2.
Variant type: single nucleotide variant.
Coding change: c.740C>T on transcript NM_001298.3 (MANE Select); coding-DNA position 740, C replaced by T.
Protein change: p.Thr247Met; replaces threonine 247 with methionine.
Molecular consequence: missense variant.
Genome position (GRCh38, 1-based): chr2:98,395,910, C>T. VCF-style: chr2-98395910-C-T. GRCh37 (hg19) VCF-style: chr2-99012373-C-T.
Other names: c.686C>T, p.Thr229Met (NM_001079878.2); short protein forms T247M, T229M.
Identifiers: ClinVar variation 198771 (VCV000198771.62), dbSNP rs148616345, ClinGen allele CA247589.

ClinVar aggregate classification (germline): Conflicting classifications of pathogenicity. Review status: criteria provided, conflicting classifications (1 of 4 stars). 7 submissions from 7 submitters: Uncertain significance (2); Likely benign (4). 1 of the submissions does not count toward it. Last evaluated 2026-05-01.

Conditions:
CNGA3-related disorder. Also called: CNGA3-related condition.
Retinal dystrophy. Also called: Inherited retinal dystrophy. Identifiers: Orphanet 71862, MedGen C0854723, MeSH D058499, MONDO:0019118, HP:0000556.
Achromatopsia 2 (ACHM2). Also called: ROD MONOCHROMACY 2; ROD MONOCHROMATISM 2; COLORBLINDNESS, TOTAL. Identifiers: Orphanet 49382, MedGen C1857618, MONDO:0009003, OMIM 216900.

Allele frequency attached by ClinVar (database versions not stated): gnomAD exomes 0.00111 and 0.00114; ExAC 0.00125; TOPMed 0.00131; 1000 Genomes Project 0.00140; gnomAD 0.00153 and 0.00158; 1000 Genomes Project 30x 0.00156; ESP Exome Variant Server 0.00169.
gnomAD v4.1: 1,907 of 1,614,188 alleles (0.12%); highest among the groups gnomAD compares: East Asian, 0.32%; 5 homozygotes.

Submissions (7):

CeGaT Center for Human Genetics Tuebingen
Classification: Likely benign. Last evaluated: 2026-05-01. Review status: criteria provided, single submitter. Criteria: CeGaT Center For Human Genetics Tuebingen Variant Classification Criteria Version 2. Collection method: clinical testing. Allele origin: germline. Affected: yes. Observed: 2 variant alleles.
Comment: CNGA3: BS2

Labcorp Genetics (formerly Invitae), Labcorp
Classification: Likely benign. Last evaluated: 2026-01-25. Review status: criteria provided, single submitter. Criteria: Invitae Variant Classification Sherloc (09022015). Collection method: clinical testing. Allele origin: germline.

Blueprint Genetics
Classification: Likely benign. Last evaluated: 2024-11-21. Review status: criteria provided, single submitter. Criteria: ACMG Guidelines, 2015. Collection method: clinical testing. Allele origin: germline.

Institute of Human Genetics, Univ. Regensburg, Univ. Regensburg
Classification: Uncertain significance for Retinal dystrophy. Last evaluated: 2022-01-01. Review status: criteria provided, single submitter. Criteria: ACMG Guidelines, 2015. Collection method: clinical testing. Allele origin: germline. Affected: yes.

Illumina Laboratory Services, Illumina
Classification: Likely benign for Achromatopsia 2. Last evaluated: 2017-04-28. Review status: criteria provided, single submitter. Criteria: ICSL Variant Classification Criteria 13 December 2019. Collection method: clinical testing. Allele origin: germline.
Comment: This variant was observed as part of a predisposition screen in an ostensibly healthy population. A literature search was performed for the gene, cDNA change, and amino acid change (where applicable). Publications were found based on this search. The evidence from the literature, in combination with allele frequency data from public databases where available, was sufficient to determine this variant is unlikely to cause disease. Therefore, this variant is classified as likely benign.

Eurofins Ntd Llc (ga)
Classification: Uncertain significance. Last evaluated: 2015-03-02. Review status: criteria provided, single submitter. Criteria: EGL Classification Definitions 2015. Collection method: clinical testing. Allele origin: germline. Observed: 1 variant allele, 1 heterozygote.

PreventionGenetics, part of Exact Sciences
Classification: Likely benign for CNGA3-related condition. Last evaluated: 2024-08-05. Review status: no assertion criteria provided. Collection method: clinical testing. Allele origin: germline. Not counted in ClinVar's aggregate classification.
Comment: This variant is classified as likely benign based on ACMG/AMP sequence variant interpretation guidelines (Richards et al. 2015 PMID: 25741868, with internal and published modifications).

Literature cited by the submitters: PubMed 24903488 (cited by Institute of Human Genetics, Univ. Regensburg, Univ. Regensburg and Illumina Laboratory Services, Illumina).